The following is an entry in ClinVar:

ClinVar aggregate classification (germline): Conflicting classifications of pathogenicity. Review status: criteria provided, conflicting classifications (1 of 4 stars). 8 submissions from 8 submitters: Likely pathogenic (1); Uncertain significance (1); Benign (3); Likely benign (3). Last evaluated 2026-05-01.

Conditions:
Meniere disease. Also called: Ménière's disease. Identifiers: MedGen C0025281, MONDO:0007972, OMIM 156000.

Allele frequency attached by ClinVar (database versions not stated): 1000 Genomes Project 0.00100; 1000 Genomes Project 30x 0.00109; ExAC 0.00168; gnomAD exomes 0.00273; TOPMed 0.00323; gnomAD 0.00333 and 0.00338.

Submissions (8):

CeGaT Center for Human Genetics Tuebingen
Classification: Likely benign. Last evaluated: 2026-05-01. Review status: criteria provided, single submitter. Criteria: CeGaT Center For Human Genetics Tuebingen Variant Classification Criteria Version 2. Collection method: clinical testing. Allele origin: germline. Affected: yes. Observed: 16 variant alleles.
Comment: OTOG: BS2

Labcorp Genetics (formerly Invitae), Labcorp
Classification: Likely benign. Last evaluated: 2026-01-24. Review status: criteria provided, single submitter. Criteria: Invitae Variant Classification Sherloc (09022015). Collection method: clinical testing. Allele origin: germline.

Meniere Disease Neuroscience Research Program, Faculty of Medicine and Health, Kolling Institute, The University of Sydney
Classification: Likely pathogenic for Meniere disease. Last evaluated: 2025-02-03. Review status: criteria provided, single submitter. Criteria: ACMG Guidelines, 2015. Collection method: research. Allele origin: germline. Affected: yes. Observed: 4 variant alleles.
Comment: The NM_001292063.2:c.3683C>T is a rare missense variant in the OTOG gene that has been replicated in four patient's across Brazilian and Spanish databases. This variant has an amino acid change at p.P1128L (p.P1240L). This variant may influence splicing processes through the simultaneous creation and elimination of exonic splicing enhancers and silencers, potentially altering exon recognition patterns. In silico analysis using pathogenicity prediction algorithms such as the CADD score (33.00), pLI score (1.23), PolyPhen2 score (1.000) have deemed the variant as "Likely Pathogenic". In silico Protein Stability predictions such as DynaMut2 (-0.49kcal/mol) and MuPro (-0.24kcal/mol) have shown it to destabilize the protein. However, experimental evidence is lacking. This is the first time the variant chr11:17599671C>T have been reported outside Spanish MD patients. For the reasons above and following the ACMG guidelines for variant interpretation, we have classified this variant as "Likely Pathogenic" (PS4, PM2, PP3, PP2, BP1).

Blueprint Genetics
Classification: Benign. Last evaluated: 2024-11-23. Review status: criteria provided, single submitter. Criteria: ACMG Guidelines, 2015. Collection method: clinical testing. Allele origin: germline.

Otology & Neurotology- Genomics of vestibular disorders (CTS-495), Jose Antonio López Escámez, Centro Pfizer - Universidad de Granada - Junta de Andalucía de Genómica e Investigación Oncológica (GENYO)
Classification: Uncertain significance for Meniere disease. Last evaluated: 2020-01-01. Review status: criteria provided, single submitter. Criteria: ACMG Guidelines, 2015. Collection method: case-control. Allele origin: germline. Affected: yes. Observed: 2 variant alleles, 2 heterozygotes. Clinical features observed: Sensorineural hearing loss (HP:0000407), Vertigo (HP:0002321), Tinnitus (HP:0000360).

GeneDx
Classification: Benign. Last evaluated: 2019-06-18. Review status: criteria provided, single submitter. Criteria: GeneDx Variant Classification Process June 2021. Collection method: clinical testing. Allele origin: germline. Affected: yes.
Comment: This variant is associated with the following publications: (PMID: 30097855)

Athena Diagnostics
Classification: Likely benign. Last evaluated: 2018-09-12. Review status: criteria provided, single submitter. Criteria: Athena Diagnostics Criteria. Collection method: clinical testing. Allele origin: germline.

Laboratory for Molecular Medicine, Mass General Brigham Personalized Medicine
Classification: Benign. Last evaluated: 2017-06-13. Review status: criteria provided, single submitter. Criteria: LMM Criteria. Collection method: clinical testing. Allele origin: germline. Observed: 11 variant alleles.
Comment: p.Pro1240Leu in exon 30 of OTOG: This variant is not expected to have clinical significance because it has been identified in 0.6% (384/67268) of European chro mosomes by the Genome Aggregation Database (gnomAD .org; dbSNP rs117005078). Furthermore, this variant has been reported by our la boratory in 10 individuals with hearing loss, including 4 with an alternate gene tic etiology identified.

Literature cited by the submitters: PubMed 28945198 (cited by Athena Diagnostics).

NM_001292063.2(OTOG):c.3683C>T (p.Pro1228Leu)

Gene: OTOG (otogelin; plus strand). Cytogenetic location: 11p15.1.
Variant type: single nucleotide variant.
Coding change: c.3683C>T on transcript NM_001292063.2 (MANE Select); coding-DNA position 3683, C replaced by T.
Protein change: p.Pro1228Leu; replaces proline 1228 with leucine.
Molecular consequence: missense variant.
Genome position (GRCh38, 1-based): chr11:17,599,671, C>T. VCF-style: chr11-17599671-C-T. GRCh37 (hg19) VCF-style: chr11-17621218-C-T.
Other names: c.3719C>T, p.Pro1240Leu (NM_001277269.2); c.[3719C>T] (NM_001277269.2); short protein forms P1240L, P1228L.
Identifiers: ClinVar variation 229088 (VCV000229088.52), dbSNP rs117005078, ClinGen allele CA5905766.